The following is an entry in ClinVar:

ClinVar aggregate classification (germline): Uncertain significance (1 of 4 stars; one submission).

Submission:

Labcorp Genetics (formerly Invitae), Labcorp
Classification: Uncertain significance. Last evaluated: 2022-11-12. Review status: criteria provided, single submitter. Criteria: Invitae Variant Classification Sherloc (09022015). Collection method: clinical testing. Allele origin: germline.
Comment: This sequence change replaces serine, which is neutral and polar, with asparagine, which is neutral and polar, at codon 271 of the CLTC protein (p.Ser271Asn). In summary, the available evidence is currently insufficient to determine the role of this variant in disease. Therefore, it has been classified as a Variant of Uncertain Significance. Advanced modeling of protein sequence and biophysical properties (such as structural, functional, and spatial information, amino acid conservation, physicochemical variation, residue mobility, and thermodynamic stability) performed at Invitae indicates that this missense variant is not expected to disrupt CLTC protein function. This variant has not been reported in the literature in individuals affected with CLTC-related conditions. This variant is not present in population databases (gnomAD no frequency).

NM_004859.4(CLTC):c.800G>A (p.Ser267Asn)

Gene: CLTC (clathrin heavy chain; plus strand). Cytogenetic location: 17q23.1.
Variant type: single nucleotide variant.
Coding change: c.800G>A on transcript NM_004859.4 (MANE Select); coding-DNA position 800, G replaced by A.
Protein change: p.Ser267Asn; replaces serine 267 with asparagine.
Molecular consequence: missense variant.
Genome position (GRCh38, 1-based): chr17:59,655,858, G>A. VCF-style: chr17-59655858-G-A. GRCh37 (hg19) VCF-style: chr17-57733219-G-A.
Other names: c.812G>A, p.Ser271Asn (NM_001288653.2); short protein forms S267N, S271N.
Identifiers: ClinVar variation 2813935 (VCV002813935.3), dbSNP rs765542295, ClinGen allele CA400422594.